The following is an entry in ClinVar:

NM_001204.7(BMPR2):c.897_903del (p.Ser300fs)

Gene: BMPR2 (bone morphogenetic protein receptor type 2; plus strand). Cytogenetic location: 2q33.2.
Variant type: Deletion.
Coding change: c.897_903del on transcript NM_001204.7 (MANE Select); coding-DNA positions 897 to 903, 7 bases deleted (AAGCTCT; older notation c.897_903delAAGCTCT).
Protein change: p.Ser300fs; shifts the reading frame from serine 300.
Molecular consequence: frameshift variant.
Genome position (GRCh38, 1-based): chr2:202,520,131-202,520,137, AAGCTCT deleted; deleting any 7 consecutive bases within chr2:202,520,130-202,520,137 gives the same sequence; the c. name uses the placement nearest the transcript's 3' end. VCF-style (leftmost placement, unchanged base first): chr2-202520129-GTAAGCTC-G. GRCh37 (hg19) VCF-style: chr2-203384852-GTAAGCTC-G.
Other names: short protein forms S300fs.
Identifiers: ClinVar variation 1069902 (VCV001069902.7), dbSNP rs2106008354, ClinGen allele CA2499215573.

ClinVar aggregate classification (germline): Pathogenic (1 of 4 stars; one submission).

Conditions:
Primary pulmonary hypertension. Also called: Idiopathic pulmonary hypertension. Identifiers: MedGen C0152171.

Submission:

Labcorp Genetics (formerly Invitae), Labcorp
Classification: Pathogenic for Primary pulmonary hypertension. Last evaluated: 2020-01-16. Review status: criteria provided, single submitter. Criteria: Invitae Variant Classification Sherloc (09022015). Collection method: clinical testing. Allele origin: germline.
Comment: For these reasons, this variant has been classified as Pathogenic. Loss-of-function variants in BMPR2 are known to be pathogenic (PMID: 16429395). This variant has not been reported in the literature in individuals with BMPR2-related conditions. This variant is not present in population databases (ExAC no frequency). This sequence change creates a premature translational stop signal (p.Ser300Alafs*33) in the BMPR2 gene. It is expected to result in an absent or disrupted protein product.

Literature cited by the submitters: PubMed 16429395.